The following is an entry in ClinVar:

ClinVar aggregate classification (germline): Likely pathogenic (1 of 4 stars; one submission).

Conditions:
Osteogenesis imperfecta type 8 (OI8). Identifiers: MedGen C1970458, MONDO:0012581, OMIM 610915.

Submission:

Labcorp Genetics (formerly Invitae), Labcorp
Classification: Likely pathogenic for Osteogenesis imperfecta type 8. Last evaluated: 2022-03-08. Review status: criteria provided, single submitter. Criteria: Invitae Variant Classification Sherloc (09022015). Collection method: clinical testing. Allele origin: germline.
Comment: In summary, the currently available evidence indicates that the variant is pathogenic, but additional data are needed to prove that conclusively. Therefore, this variant has been classified as Likely Pathogenic. Variants that disrupt the consensus splice site are a relatively common cause of aberrant splicing (PMID: 17576681, 9536098). Algorithms developed to predict the effect of sequence changes on RNA splicing suggest that this variant may create or strengthen a splice site. This sequence change falls in intron 6 of the P3H1 gene. It does not directly change the encoded amino acid sequence of the P3H1 protein. It affects a nucleotide within the consensus splice site. This variant is not present in population databases (gnomAD no frequency). This variant has been observed in individual(s) with osteogenesis imperfecta (Invitae). In at least one individual the data is consistent with being in trans (on the opposite chromosome) from a pathogenic variant. ClinVar contains an entry for this variant (Variation ID: 835436).

Literature cited by the submitters: PubMed 17576681; PubMed 9536098.

NM_022356.4(P3H1):c.1170+6C>G

Gene: P3H1 (prolyl 3-hydroxylase 1; minus strand). Cytogenetic location: 1p34.2.
Variant type: single nucleotide variant.
Coding change: c.1170+6C>G on transcript NM_022356.4 (MANE Select); 6 bases into the intron after coding-DNA position 1170, C replaced by G.
Molecular consequence: intron variant.
Genome position (GRCh38, 1-based): chr1:42,755,542, G>C on the plus strand (C>G on the coding strand, the complement: P3H1 is on the minus strand). VCF-style: chr1-42755542-G-C. GRCh37 (hg19) VCF-style: chr1-43221213-G-C.
Other names: c.1170+6C>G (NM_001146289.2, NM_001243246.2).
Identifiers: ClinVar variation 835436 (VCV000835436.9), dbSNP rs1652352034, ClinGen allele CA916081286.